The following is an entry in ClinVar:

ClinVar aggregate classification (germline): Likely pathogenic (1 of 4 stars; one submission).

Allele frequency attached by ClinVar (database versions not stated): gnomAD exomes below 0.00001.
gnomAD v4.1: 2 of 1,610,646 alleles (0.00012%); highest among the groups gnomAD compares: Non-Finnish European, 0.000085%; no homozygotes.

Submission:

Labcorp Genetics (formerly Invitae), Labcorp
Classification: Likely pathogenic. Last evaluated: 2023-10-04. Review status: criteria provided, single submitter. Criteria: Invitae Variant Classification Sherloc (09022015). Collection method: clinical testing. Allele origin: germline.
Comment: This sequence change affects a donor splice site in intron 5 of the ELP1 gene. It is expected to disrupt RNA splicing. Variants that disrupt the donor or acceptor splice site typically lead to a loss of protein function (PMID: 16199547), and loss-of-function variants in ELP1 are known to be pathogenic (PMID: 18303054, 24173031). This variant is not present in population databases (gnomAD no frequency). This variant has not been reported in the literature in individuals affected with ELP1-related conditions. Algorithms developed to predict the effect of sequence changes on RNA splicing suggest that this variant may disrupt the consensus splice site. In summary, the currently available evidence indicates that the variant is pathogenic, but additional data are needed to prove that conclusively. Therefore, this variant has been classified as Likely Pathogenic.

Literature cited by the submitters: PubMed 16199547; PubMed 18303054; PubMed 24173031.

NM_003640.5(ELP1):c.466+2T>G

Gene: ELP1 (elongator acetyltransferase complex subunit 1; minus strand). Cytogenetic location: 9q31.3.
Variant type: single nucleotide variant.
Coding change: c.466+2T>G on transcript NM_003640.5 (MANE Select); the canonical splice donor site of the intron after coding-DNA position 466, T replaced by G.
Molecular consequence: splice donor variant.
Genome position (GRCh38, 1-based): chr9:108,926,521, A>C on the plus strand (T>G on the coding strand, the complement: ELP1 is on the minus strand). VCF-style: chr9-108926521-A-C. GRCh37 (hg19) VCF-style: chr9-111688801-A-C.
Other names: c.124+2T>G (NM_001318360.2); c.-394+2T>G (NM_001330749.2).
Identifiers: ClinVar variation 2765401 (VCV002765401.3), dbSNP rs1587923537, ClinGen allele CA374390951.
Genomic context (GRCh38, chr9:108,926,521, plus strand): 5'-AGGAAATGGTCAAAAATGGGAAGAAACGTAGGTCACAAAATATTGCACAAAGCTATACTT[A>C]CTTTCACCAAAATCATCCTGATGGATCTGCTGCTCCAGGATTGGCTCAAAATCTTTTGTC-3'